The following is an entry in ClinVar:

ClinVar aggregate classification (germline): Uncertain significance (1 of 4 stars; one submission).

Submission:

GeneDx
Classification: Uncertain significance. Last evaluated: 2022-10-25. Review status: criteria provided, single submitter. Criteria: GeneDx Variant Classification Process June 2021. Collection method: clinical testing. Allele origin: germline. Affected: yes.
Comment: Not observed at significant frequency in large population cohorts (gnomAD); In silico analysis supports that this missense variant has a deleterious effect on protein structure/function; Has not been previously published as pathogenic or benign to our knowledge

NM_002471.4(MYH6):c.2543A>G (p.Glu848Gly)

Gene: MYH6 (myosin heavy chain 6; minus strand). Cytogenetic location: 14q11.2.
Variant type: single nucleotide variant.
Coding change: c.2543A>G on transcript NM_002471.4 (MANE Select); coding-DNA position 2543, A replaced by G.
Protein change: p.Glu848Gly; replaces glutamic acid 848 with glycine.
Molecular consequence: missense variant.
Genome position (GRCh38, 1-based): chr14:23,394,210, T>C on the plus strand (A>G on the coding strand, the complement: MYH6 is on the minus strand). VCF-style: chr14-23394210-T-C. GRCh37 (hg19) VCF-style: chr14-23863419-T-C.
Other names: short protein forms E848G.
Identifiers: ClinVar variation 2500461 (VCV002500461.1), dbSNP rs2502172140, ClinGen allele CA389014399.